The following is an entry in ClinVar:

ClinVar aggregate classification (germline): Uncertain significance. Review status: criteria provided, multiple submitters, no conflicts (2 of 4 stars). 2 submissions from 2 submitters: Uncertain significance (2). Last evaluated 2025-09-02.

Conditions:
Hereditary cancer-predisposing syndrome. Also called: Tumor predisposition; Neoplastic Syndromes, Hereditary; Hereditary neoplastic syndrome; Hereditary Cancer Syndrome. Identifiers: Orphanet 140162, MedGen C0027672, MeSH D009386, MONDO:0015356.

Submissions (2):

Labcorp Genetics (formerly Invitae), Labcorp
Classification: Uncertain significance. Last evaluated: 2025-09-02. Review status: criteria provided, single submitter. Criteria: Invitae Variant Classification Sherloc (09022015). Collection method: clinical testing. Allele origin: germline.
Comment: This sequence change replaces aspartic acid, which is acidic and polar, with asparagine, which is neutral and polar, at codon 1974 of the POLE protein (p.Asp1974Asn). This variant is not present in population databases (gnomAD no frequency). This variant has not been reported in the literature in individuals affected with POLE-related conditions. ClinVar contains an entry for this variant (Variation ID: 1020652). Invitae Evidence Modeling of protein sequence and biophysical properties (such as structural, functional, and spatial information, amino acid conservation, physicochemical variation, residue mobility, and thermodynamic stability) indicates that this missense variant is not expected to disrupt POLE protein function with a negative predictive value of 80%. In summary, the available evidence is currently insufficient to determine the role of this variant in disease. Therefore, it has been classified as a Variant of Uncertain Significance.

Ambry Genetics
Classification: Uncertain significance for Hereditary cancer-predisposing syndrome. Last evaluated: 2023-03-19. Review status: criteria provided, single submitter. Criteria: Ambry Variant Classification Scheme 2023. Collection method: clinical testing. Allele origin: germline.
Comment: The p.D1974N variant (also known as c.5920G>A), located in coding exon 43 of the POLE gene, results from a G to A substitution at nucleotide position 5920. The aspartic acid at codon 1974 is replaced by asparagine, an amino acid with highly similar properties. This amino acid position is conserved. In addition, this alteration is predicted to be tolerated by in silico analysis. Since supporting evidence is limited at this time, the clinical significance of this alteration remains unclear.

NM_006231.4(POLE):c.5920G>A (p.Asp1974Asn)

Gene: POLE (DNA polymerase epsilon, catalytic subunit; minus strand). Cytogenetic location: 12q24.33.
Variant type: single nucleotide variant.
Coding change: c.5920G>A on transcript NM_006231.4 (MANE Select); coding-DNA position 5920, G replaced by A.
Protein change: p.Asp1974Asn; replaces aspartic acid 1974 with asparagine.
Molecular consequence: missense variant.
Genome position (GRCh38, 1-based): chr12:132,634,270, C>T on the plus strand (G>A on the coding strand, the complement: POLE is on the minus strand). VCF-style: chr12-132634270-C-T. GRCh37 (hg19) VCF-style: chr12-133210856-C-T.
Other names: c.5920G>A (NM_006231.2); short protein forms D1974N.
Identifiers: ClinVar variation 1020652 (VCV001020652.12), dbSNP rs1555221203, ClinGen allele CA387371593.